The following is an entry in ClinVar:

ClinVar aggregate classification (germline): Likely benign. Review status: criteria provided, multiple submitters, no conflicts (2 of 4 stars). 2 submissions from 2 submitters: Likely benign (2). Last evaluated 2026-08-01.

Conditions:
PGM1-congenital disorder of glycosylation. Also called: CDG It; Congenital disorder of glycosylation type 1t; GLYCOGEN STORAGE DISEASE XIV; GSD XIV; PHOSPHOGLUCOMUTASE 1 DEFICIENCY; PGM1 DEFICIENCY. Identifiers: Orphanet 319646, MedGen C2752015, MONDO:0013968, OMIM 614921.

Allele frequency attached by ClinVar (database versions not stated): gnomAD exomes below 0.00001; ExAC 0.00002.
gnomAD v4.1: 6 of 1,613,606 alleles (0.00037%); highest among the groups gnomAD compares: Admixed American, 0.0033%; no homozygotes.

Submissions (2):

CeGaT Center for Human Genetics Tuebingen
Classification: Likely benign. Last evaluated: 2026-08-01. Review status: criteria provided, single submitter. Criteria: CeGaT Center For Human Genetics Tuebingen Variant Classification Criteria Version 2. Collection method: clinical testing. Allele origin: germline. Affected: yes. Observed: 1 variant allele.
Comment: PGM1: BP4, BP7

Labcorp Genetics (formerly Invitae), Labcorp
Classification: Likely benign for PGM1-congenital disorder of glycosylation. Last evaluated: 2025-10-02. Review status: criteria provided, single submitter. Criteria: Invitae Variant Classification Sherloc (09022015). Collection method: clinical testing. Allele origin: germline.

NM_002633.3(PGM1):c.108G>A (p.Ala36=)

Genes: PGM1 (phosphoglucomutase 1; plus strand), LOC129930668 (ATAC-STARR-seq lymphoblastoid active region 1127; plus strand). Cytogenetic location: 1p31.3.
Variant type: single nucleotide variant.
Coding change: c.108G>A on transcript NM_002633.3 (MANE Select); coding-DNA position 108, G replaced by A.
Protein change: p.Ala36=; no amino-acid change (alanine 36 retained).
Molecular consequence: synonymous variant.
Genome position (GRCh38, 1-based): chr1:63,593,596, G>A. VCF-style: chr1-63593596-G-A. GRCh37 (hg19) VCF-style: chr1-64059267-G-A.
Identifiers: ClinVar variation 2920589 (VCV002920589.4), dbSNP rs748607957, ClinGen allele CA889358.